The following is an entry in ClinVar:

NM_015331.3(NCSTN):c.766G>T (p.Val256Leu)

Gene: NCSTN (nicastrin; plus strand). Cytogenetic location: 1q23.2.
Variant type: single nucleotide variant.
Coding change: c.766G>T on transcript NM_015331.3 (MANE Select); coding-DNA position 766, G replaced by T.
Protein change: p.Val256Leu; replaces valine 256 with leucine.
Molecular consequence: missense variant. On other transcripts: intron variant (1).
Genome position (GRCh38, 1-based): chr1:160,351,728, G>T. VCF-style: chr1-160351728-G-T. GRCh37 (hg19) VCF-style: chr1-160321518-G-T.
Other names: c.706G>T, p.Val236Leu (NM_001290184.2); c.766G>T, p.Val256Leu (NM_001349729.2); c.583-1159G>T (NM_001290186.2); short protein forms V236L, V256L.
Identifiers: ClinVar variation 1504231 (VCV001504231.6), dbSNP rs1271369481, ClinGen allele CA343279085.

ClinVar aggregate classification (germline): Uncertain significance (1 of 4 stars; one submission).

Submission:

Labcorp Genetics (formerly Invitae), Labcorp
Classification: Uncertain significance. Last evaluated: 2021-10-24. Review status: criteria provided, single submitter. Criteria: Invitae Variant Classification Sherloc (09022015). Collection method: clinical testing. Allele origin: germline.
Comment: This sequence change replaces valine with leucine at codon 256 of the NCSTN protein (p.Val256Leu). The valine residue is highly conserved and there is a small physicochemical difference between valine and leucine. This variant is not present in population databases (ExAC no frequency). This variant has not been reported in the literature in individuals affected with NCSTN-related conditions. Algorithms developed to predict the effect of missense changes on protein structure and function are either unavailable or do not agree on the potential impact of this missense change (SIFT: "Deleterious"; PolyPhen-2: "Possibly Damaging"; Align-GVGD: "Class C0"). In summary, the available evidence is currently insufficient to determine the role of this variant in disease. Therefore, it has been classified as a Variant of Uncertain Significance.